The following is an entry in ClinVar:

ClinVar aggregate classification (germline): Likely benign. Review status: reviewed by expert panel (3 of 4 stars). 4 submissions from 4 submitters: Likely benign (1). 3 of the submissions do not count toward it. Last evaluated 2017-05-09.

Conditions:
Cardiovascular phenotype. Identifiers: MedGen CN230736.
RASopathy. Also called: Noonan spectrum disorder; rasopathies. Identifiers: Orphanet 536391, MedGen C5555857, MONDO:0021060.

Allele frequency attached by ClinVar (database versions not stated): TOPMed 0.00002.
gnomAD v4.1: 72 of 1,606,922 alleles (0.0045%); highest among the groups gnomAD compares: Non-Finnish European, 0.0056%; no homozygotes.

Submissions (4):

ClinGen RASopathy Variant Curation Expert Panel
Classification: Likely benign for Noonan syndrome and Noonan-related syndrome. Last evaluated: 2017-05-09. Review status: reviewed by expert panel. Criteria: ClinGen RASopathy ACMG Specifications v1. Collection method: curation. Allele origin: germline. Inheritance: Autosomal dominant inheritance.
Comment: The filtering allele frequency of the c.813C>T (p.Asp271=) variant in the MAP2K2 gene is 0.0045% (1/7096) of Latino chromosomes by the Exome Aggregation Consortium, which is a high enough frequency to be classified as likely benign based on thresholds defined by the ClinGen RASopathy Expert Panel (BS1; PMID:29493581)

Labcorp Genetics (formerly Invitae), Labcorp
Classification: Likely benign for RASopathy. Last evaluated: 2024-10-02. Review status: criteria provided, single submitter. Criteria: Invitae Variant Classification Sherloc (09022015). Collection method: clinical testing. Allele origin: germline. Not counted in ClinVar's aggregate classification.

Ambry Genetics
Classification: Likely benign for Cardiovascular phenotype. Last evaluated: 2020-03-17. Review status: criteria provided, single submitter. Criteria: Ambry Variant Classification Scheme 2023. Collection method: clinical testing. Allele origin: germline. Not counted in ClinVar's aggregate classification.

GeneDx
Classification: Benign. Last evaluated: 2016-07-06. Review status: criteria provided, single submitter. Criteria: GeneDx Variant Classification (06012015). Collection method: clinical testing. Allele origin: germline. Affected: yes. Not counted in ClinVar's aggregate classification.
Comment: This variant is considered likely benign or benign based on one or more of the following criteria: it is a conservative change, it occurs at a poorly conserved position in the protein, it is predicted to be benign by multiple in silico algorithms, and/or has population frequency not consistent with disease.

NM_030662.4(MAP2K2):c.813C>T (p.Asp271=)

Gene: MAP2K2 (mitogen-activated protein kinase kinase 2; minus strand). Cytogenetic location: 19p13.3.
Variant type: single nucleotide variant.
Coding change: c.813C>T on transcript NM_030662.4 (MANE Select); coding-DNA position 813, C replaced by T.
Protein change: p.Asp271=; no amino-acid change (aspartic acid 271 retained).
Molecular consequence: synonymous variant.
Genome position (GRCh38, 1-based): chr19:4,099,307, G>A on the plus strand (C>T on the coding strand, the complement: MAP2K2 is on the minus strand). VCF-style: chr19-4099307-G-A. GRCh37 (hg19) VCF-style: chr19-4099305-G-A.
Other names: NM_030662.3(MAP2K2):c.813C>T.
Identifiers: ClinVar variation 378108 (VCV000378108.11), dbSNP rs201726622, ClinGen allele CA9090826.